The following is an entry in ClinVar:

ClinVar aggregate classification (germline): Uncertain significance (1 of 4 stars; one submission).

Conditions:
Complement component 3 deficiency. Identifiers: Orphanet 280133, MedGen C3151071, MONDO:0013417, OMIM 613779.
C3 glomerulonephritis. Also called: Nephropathy due to CFHR5 Deficiency; C3 GLOMERULOPATHY 3. Identifiers: Orphanet 329931, MedGen C4055342, MONDO:0013892, OMIM 614809.
Atypical hemolytic-uremic syndrome. Identifiers: Orphanet 2134, MedGen C2931788, MONDO:0016244.

Submission:

Genomenon, Inc
Classification: Uncertain significance for Complement component 3 deficiency; C3 glomerulonephritis; Atypical hemolytic-uremic syndrome. Last evaluated: 2025-09-30. Review status: criteria provided, single submitter. Criteria: Genomenon Sequence Variant Interpretation Standards. Collection method: curation. Allele origin: germline. Affected: no.
Comment: C3 p.Lys779Arg (c.2336A>G) is a missense variant that changes the amino acid at residue 779 from Lysine to Arginine. This variant has been reported in the published literature (PMID:28611769). It is absent or not present at a significant frequency in gnomAD. In silico models agree that this variant is not damaging. In conclusion, we classify C3 p.Lys779Arg (c.2336A>G) as a variant of unknown significance.

Literature cited by the submitters: PubMed 28611769.

NM_000064.4(C3):c.2336A>G (p.Lys779Arg)

Gene: C3 (complement C3; minus strand). Cytogenetic location: 19p13.3.
Variant type: single nucleotide variant.
Coding change: c.2336A>G on transcript NM_000064.4 (MANE Select); coding-DNA position 2336, A replaced by G.
Protein change: p.Lys779Arg; replaces lysine 779 with arginine.
Molecular consequence: missense variant.
Genome position (GRCh38, 1-based): chr19:6,702,489, T>C on the plus strand (A>G on the coding strand, the complement: C3 is on the minus strand). VCF-style: chr19-6702489-T-C. GRCh37 (hg19) VCF-style: chr19-6702500-T-C.
Other names: short protein forms K779R.
Identifiers: ClinVar variation 4280165 (VCV004280165.1).